The following is an entry in ClinVar:

ClinVar aggregate classification (germline): Uncertain significance (1 of 4 stars; one submission).

Conditions:
Developmental delay, impaired speech, and behavioral abnormalities. Identifiers: MedGen C5561957, MONDO:0859178, OMIM 619475.

Submission:

Victorian Clinical Genetics Services, Murdoch Childrens Research Institute
Classification: Uncertain significance for Developmental delay, impaired speech, and behavioral abnormalities. Last evaluated: 2026-05-08. Review status: criteria provided, single submitter. Criteria: ACMG Guidelines, 2015. Collection method: clinical testing. Allele origin: germline. Affected: yes.
Comment: This variant is classified as VUS-3B. Evidence in support of pathogenic classification: Variant is absent from gnomAD (v2, v3 and v4); Missense variant predicted to be damaging by in silico tool(s) or highly conserved with a major amino acid change. Additional information: Variant is predicted to result in a missense amino acid change from Glu to Val; This variant is heterozygous; This gene is associated with autosomal dominant disease; This variant has no previous evidence of pathogenicity; No published evidence of segregation with disease has been identified for this variant; No published functional evidence has been identified for this variant; No comparable missense variants have previous evidence for pathogenicity; Variant is located in the annotated spectrin repeat domain (DECIPHER); Loss of function is a known mechanism of disease in this gene and is associated with developmental delay, impaired speech, and behavioural abnormalities (MIM#619475); Variants in this gene are known to have variable expressivity (OMIM); Parental origin of the variant is unresolved.

NM_003128.3(SPTBN1):c.5063A>T (p.Glu1688Val)

Gene: SPTBN1 (spectrin beta, non-erythrocytic 1; plus strand). Cytogenetic location: 2p16.2.
Variant type: single nucleotide variant.
Coding change: c.5063A>T on transcript NM_003128.3 (MANE Select); coding-DNA position 5063, A replaced by T.
Protein change: p.Glu1688Val; replaces glutamic acid 1688 with valine.
Molecular consequence: missense variant.
Genome position (GRCh38, 1-based): chr2:54,649,051, A>T. VCF-style: chr2-54649051-A-T. GRCh37 (hg19) VCF-style: chr2-54876188-A-T.
Other names: c.5024A>T, p.Glu1675Val (NM_178313.3); short protein forms E1675V, E1688V.
Identifiers: ClinVar variation 4879691 (VCV004879691.1).